The following is an entry in ClinVar:

ClinVar aggregate classification (germline): Uncertain significance (1 of 4 stars; one submission).

Conditions:
Cardiovascular phenotype. Identifiers: MedGen CN230736.

Submission:

Ambry Genetics
Classification: Uncertain significance for Cardiovascular phenotype. Last evaluated: 2024-04-07. Review status: criteria provided, single submitter. Criteria: Ambry Variant Classification Scheme 2023. Collection method: clinical testing. Allele origin: germline.
Comment: The p.E1026A variant (also known as c.3077A>C), located in coding exon 11 of the RBM20 gene, results from an A to C substitution at nucleotide position 3077. The glutamic acid at codon 1026 is replaced by alanine, an amino acid with dissimilar properties. This amino acid position is conserved. In addition, the in silico prediction for this alteration is inconclusive. Based on the available evidence, the clinical significance of this variant remains unclear.

NM_001134363.3(RBM20):c.3077A>C (p.Glu1026Ala)

Gene: RBM20 (RNA binding motif protein 20; plus strand). Cytogenetic location: 10q25.2.
Variant type: single nucleotide variant.
Coding change: c.3077A>C on transcript NM_001134363.3 (MANE Select); coding-DNA position 3077, A replaced by C.
Protein change: p.Glu1026Ala; replaces glutamic acid 1026 with alanine.
Molecular consequence: missense variant.
Genome position (GRCh38, 1-based): chr10:110,821,696, A>C. VCF-style: chr10-110821696-A-C. GRCh37 (hg19) VCF-style: chr10-112581454-A-C.
Other names: short protein forms E1026A.
Identifiers: ClinVar variation 3313223 (VCV003313223.1).